The following is an entry in ClinVar:

ClinVar aggregate classification (germline): Uncertain significance (1 of 4 stars; one submission).

Conditions:
Disseminated atypical mycobacterial infection. Identifiers: MedGen C0694566.

Allele frequency attached by ClinVar (database versions not stated): ExAC 0.00001; gnomAD exomes 0.00001; TOPMed 0.00002.
gnomAD v4.1: 3 of 1,613,446 alleles (0.00019%); highest among the groups gnomAD compares: Admixed American, 0.005%; no homozygotes.

Submission:

Labcorp Genetics (formerly Invitae), Labcorp
Classification: Uncertain significance for Disseminated atypical mycobacterial infection. Last evaluated: 2025-09-24. Review status: criteria provided, single submitter. Criteria: Invitae Variant Classification Sherloc (09022015). Collection method: clinical testing. Allele origin: germline.
Comment: This sequence change replaces leucine, which is neutral and non-polar, with proline, which is neutral and non-polar, at codon 247 of the IFNGR1 protein (p.Leu247Pro). This variant is present in population databases (rs762735707, gnomAD 0.006%). This variant has not been reported in the literature in individuals affected with IFNGR1-related conditions. ClinVar contains an entry for this variant (Variation ID: 1059434). Invitae Evidence Modeling of protein sequence and biophysical properties (such as structural, functional, and spatial information, amino acid conservation, physicochemical variation, residue mobility, and thermodynamic stability) indicates that this missense variant is not expected to disrupt IFNGR1 protein function with a negative predictive value of 80%. In summary, the available evidence is currently insufficient to determine the role of this variant in disease. Therefore, it has been classified as a Variant of Uncertain Significance.

NM_000416.3(IFNGR1):c.740T>C (p.Leu247Pro)

Gene: IFNGR1 (interferon gamma receptor 1; minus strand). Cytogenetic location: 6q23.3.
Variant type: single nucleotide variant.
Coding change: c.740T>C on transcript NM_000416.3 (MANE Select); coding-DNA position 740, T replaced by C.
Protein change: p.Leu247Pro; replaces leucine 247 with proline.
Molecular consequence: missense variant.
Genome position (GRCh38, 1-based): chr6:137,201,002, A>G on the plus strand (T>C on the coding strand, the complement: IFNGR1 is on the minus strand). VCF-style: chr6-137201002-A-G. GRCh37 (hg19) VCF-style: chr6-137522139-A-G.
Other names: c.710T>C, p.Leu237Pro (NM_001363526.1); c.617T>C, p.Leu206Pro (NM_001363527.1); short protein forms L206P, L237P, L247P.
Identifiers: ClinVar variation 1059434 (VCV001059434.10), dbSNP rs762735707, ClinGen allele CA4018875.